The following is an entry in ClinVar:

NM_000548.5(TSC2):c.2966+1G>A

Gene: TSC2 (TSC complex subunit 2; plus strand). Cytogenetic location: 16p13.3.
Variant type: single nucleotide variant.
Coding change: c.2966+1G>A on transcript NM_000548.5 (MANE Select); the canonical splice donor site of the intron after coding-DNA position 2966, G replaced by A.
Molecular consequence: splice donor variant. On other transcripts: intron variant (31).
Genome position (GRCh38, 1-based): chr16:2,077,727, G>A. VCF-style: chr16-2077727-G-A. GRCh37 (hg19) VCF-style: chr16-2127728-G-A.
Other names: c.2966+1G>A (NM_000548.3, NM_001114382.3, NM_001406663.1 and 1 more transcripts); c.1493+1142G>A (NM_001406693.1, NM_001406690.1, NM_001406692.1 and 5 more transcripts); c.2927+1142G>A (NM_001406667.1, NM_001406668.1); c.2366+1G>A (NM_001406680.1, NM_001406683.1, NM_001406682.1 and 1 more transcripts); c.2237+1142G>A (NM_001406687.1, NM_001406685.1, NM_001318831.2 and 2 more transcripts); c.1622+1G>A (NM_001406689.1); c.1235+1142G>A (NM_001406698.1); c.2837+1142G>A (NM_021055.3, NM_001370405.1, NM_001363528.2 and 3 more transcripts); and 8 more.
Identifiers: ClinVar variation 1422070 (VCV001422070.9), dbSNP rs2089600815, ClinGen allele CA394281621.
Genomic context (GRCh38, chr16:2,077,727, plus strand): 5'-CTCTGCAGCCGAGGCCTTCCGGTGCCGCAGCATCAGTGTGTCTGAACATGTGGTCCGCAG[G>A]TAGCGGGACTGTCGGGTGGGGGGCACGGACCCTGGAGCTTGGCCCCGTGAGCACCTGGGT-3'

ClinVar aggregate classification (germline): Uncertain significance. Review status: criteria provided, multiple submitters, no conflicts (2 of 4 stars). 4 submissions from 4 submitters: Uncertain significance (4). Last evaluated 2025-05-29.

Conditions:
Hereditary cancer-predisposing syndrome. Also called: Tumor predisposition; Hereditary neoplastic syndrome; Neoplastic Syndromes, Hereditary; Hereditary Cancer Syndrome. Identifiers: Orphanet 140162, MedGen C0027672, MeSH D009386, MONDO:0015356.
Tuberous sclerosis syndrome (TSC). Also called: Tuberous sclerosis; Tuberous Sclerosis Complex. Identifiers: Orphanet 805, MedGen C0041341, MONDO:0001734.
Tuberous sclerosis 2 (TSC2). Identifiers: Orphanet 805, MedGen C1860707, MONDO:0013199, OMIM 613254.

Allele frequency attached by ClinVar (database versions not stated): gnomAD exomes below 0.00001.
gnomAD v4.1: 3 of 1,612,508 alleles (0.00019%); highest among the groups gnomAD compares: Non-Finnish European, 0.00025%; no homozygotes.

Submissions (4):

Ambry Genetics
Classification: Uncertain significance for Hereditary cancer-predisposing syndrome. Last evaluated: 2025-05-29. Review status: criteria provided, single submitter. Criteria: Ambry Variant Classification Scheme 2023. Collection method: clinical testing. Allele origin: germline.
Comment: The c.2966+1G>A intronic variant results from a G to A substitution one nucleotide after coding exon 25 of the TSC2 gene. This nucleotide position is highly conserved in available vertebrate species. In silico splice site analysis predicts that this alteration will weaken the native splice donor site. Alterations that disrupt the canonical splice site are expected to cause aberrant splicing. However, this variant is predicted to impact the splicing of an exon that is absent in biologically relevant transcripts (Ekong R et al. Hum.Mutat., 2016 Apr;37:364-70). Since supporting evidence is limited at this time, the clinical significance of this alteration remains unclear.

Labcorp Genetics (formerly Invitae), Labcorp
Classification: Uncertain significance for Tuberous sclerosis 2. Last evaluated: 2025-04-10. Review status: criteria provided, single submitter. Criteria: Invitae Variant Classification Sherloc (09022015). Collection method: clinical testing. Allele origin: germline.
Comment: This sequence change affects a donor splice site in intron 26 of the TSC2 gene. Loss-of-function variants in TSC2 are known to be pathogenic (PMID: 10205261, 17304050). However, tissue-specific alternative splicing of TSC2 gene results in a functional isoform lacking in-frame exon 26 (also known as exon 25, PMID: 26703369). For this reason the clinical significance of loss of function variants in exon 26 is currently uncertain. This variant is not present in population databases (gnomAD no frequency). This variant has not been reported in the literature in individuals affected with TSC2-related conditions. ClinVar contains an entry for this variant (Variation ID: 1422070). Algorithms developed to predict the effect of sequence changes on RNA splicing suggest that this variant may disrupt the consensus splice site. In summary, the available evidence is currently insufficient to determine the role of this variant in disease. Therefore, it has been classified as a Variant of Uncertain Significance.

All of Us Research Program, National Institutes of Health
Classification: Uncertain significance for Tuberous sclerosis syndrome. Last evaluated: 2023-12-01. Review status: criteria provided, single submitter. Criteria: ACMG Guidelines, 2015. Collection method: clinical testing. Allele origin: germline. Inheritance: Autosomal dominant inheritance. Observed: 1 variant allele, 1 heterozygote.
Comment: This study involves interpretation of variants in research participants for the purpose of population health screening. Participant phenotype was not available at the time of variant classification. Additional details can be found in publication PMID: 35346344, PMCID: PMC8962531

Blueprint Genetics
Classification: Uncertain significance. Last evaluated: 2020-05-08. Review status: criteria provided, single submitter. Criteria: ACMG Guidelines, 2015. Collection method: clinical testing. Allele origin: germline.

Literature cited by the submitters: PubMed 26703369 (cited by Ambry Genetics); PubMed 10205261 (cited by Labcorp Genetics (formerly Invitae), Labcorp); PubMed 17304050 (cited by Labcorp Genetics (formerly Invitae), Labcorp).